The following is an entry in ClinVar:

NM_000051.4(ATM):c.2709C>G (p.Phe903Leu)

Gene: ATM (ATM serine/threonine kinase; plus strand). Cytogenetic location: 11q22.3.
Variant type: single nucleotide variant.
Coding change: c.2709C>G on transcript NM_000051.4 (MANE Select); coding-DNA position 2709, C replaced by G.
Protein change: p.Phe903Leu; replaces phenylalanine 903 with leucine.
Molecular consequence: missense variant.
Genome position (GRCh38, 1-based): chr11:108,268,480, C>G. VCF-style: chr11-108268480-C-G. GRCh37 (hg19) VCF-style: chr11-108139207-C-G.
Other names: c.2709C>G, p.Phe903Leu (NM_001351834.2); short protein forms F903L.
Identifiers: ClinVar variation 4705808 (VCV004705808.1).

ClinVar aggregate classification (germline): Uncertain significance (1 of 4 stars; one submission).

Conditions:
Ataxia-telangiectasia syndrome (AT). Also called: AT, COMPLEMENTATION GROUP C; Ataxia-telangiectasia, complementation group D; Cerebello-oculocutaneous telangiectasia; Immunodeficiency with ataxia telangiectasia; LOUIS-BAR SYNDROME; Ataxia telangiectasia (A-T). Identifiers: Orphanet 100, MedGen C0004135, MONDO:0008840, OMIM 208900.

Submission:

Labcorp Genetics (formerly Invitae), Labcorp
Classification: Uncertain significance for Ataxia-telangiectasia syndrome. Last evaluated: 2025-06-05. Review status: criteria provided, single submitter. Criteria: Invitae Variant Classification Sherloc (09022015). Collection method: clinical testing. Allele origin: germline.
Comment: This sequence change replaces phenylalanine, which is neutral and non-polar, with leucine, which is neutral and non-polar, at codon 903 of the ATM protein (p.Phe903Leu). This variant is not present in population databases (gnomAD no frequency). This variant has not been reported in the literature in individuals affected with ATM-related conditions. Invitae Evidence Modeling of protein sequence and biophysical properties (such as structural, functional, and spatial information, amino acid conservation, physicochemical variation, residue mobility, and thermodynamic stability) indicates that this missense variant is not expected to disrupt ATM protein function with a negative predictive value of 95%. In summary, the available evidence is currently insufficient to determine the role of this variant in disease. Therefore, it has been classified as a Variant of Uncertain Significance.